The following is an entry in ClinVar:

NM_021971.4(GMPPB):c.786C>G (p.Ile262Met)

Gene: GMPPB (GDP-mannose pyrophosphorylase B; minus strand). Cytogenetic location: 3p21.31.
Variant type: single nucleotide variant.
Coding change: c.786C>G on transcript NM_021971.4 (MANE Select); coding-DNA position 786, C replaced by G.
Protein change: p.Ile262Met; replaces isoleucine 262 with methionine.
Molecular consequence: missense variant.
Genome position (GRCh38, 1-based): chr3:49,722,130, G>C on the plus strand (C>G on the coding strand, the complement: GMPPB is on the minus strand). VCF-style: chr3-49722130-G-C. GRCh37 (hg19) VCF-style: chr3-49759563-G-C.
Other names: c.786C>G, p.Ile262Met (NM_013334.4); short protein forms I262M.
Identifiers: ClinVar variation 1522210 (VCV001522210.8), dbSNP rs201123231, ClinGen allele CA352827745.
Genomic context (GRCh38, chr3:49,722,130, plus strand): 5'-ATCTTCGACCACCACGCCAGGTCCCAGGCTCACATTGGGGCCAATGCTGCAGTTCTGGCC[G>C]ATGCGGGCACTTGGGTCCTGAGAGCGGTGGGAAAAATACAAGTGGGCCACTTGTCTCCCA-3'
Protein context (NP_068806.2, residues 252-272): GNVLVDPSAR[Ile262Met]GQNCSIGPNV

ClinVar aggregate classification (germline): Uncertain significance (1 of 4 stars; one submission).

Conditions:
Muscular dystrophy-dystroglycanopathy (congenital with impaired intellectual development), type B, 14. Also called: Congenital muscular dystrophy-dystroglycanopathy with mental retardation, type B14; Muscular dystrophy-dystroglycanopathy (congenital with intellectual disability), type B14; MUSCULAR DYSTROPHY, CONGENITAL, GMPPB-RELATED. Identifiers: MedGen C3809221, MONDO:0014141, OMIM 615351.
Autosomal recessive limb-girdle muscular dystrophy type 2T. Also called: MUSCULAR DYSTROPHY-DYSTROGLYCANOPATHY, LIMB-GIRDLE, GMPPB-RELATED; MUSCULAR DYSTROPHY, LIMB-GIRDLE, TYPE 2T; Muscular dystrophy-dystroglycanopathy (limb-girdle), type c, 14; Limb-girdle muscular dystrophy-dystroglycanopathy, type C14. Identifiers: Orphanet 363623, MedGen C4518000, MONDO:0014142, OMIM 615352.
Muscular dystrophy-dystroglycanopathy (congenital with brain and eye anomalies), type A14. Also called: Congenital muscular dystrophy-dystroglycanopathy with brain and eye anomalies, type A14; WALKER-WARBURG SYNDROME OR MUSCLE-EYE-BRAIN DISEASE, GMPPB-RELATED; Muscular dystrophy-dystroglycanopathy (congenital with brain and eye anomalies), type a, 14; Congenital Muscular Dystrophy-Dystroglycanopathy with Brain and Eye Anomalies Type A 14. Identifiers: Orphanet 588, MedGen C3809216, MONDO:0014140, OMIM 615350.

Allele frequency attached by ClinVar (database versions not stated): TOPMed 0.00001.

Submission:

Labcorp Genetics (formerly Invitae), Labcorp
Classification: Uncertain significance for Autosomal recessive limb-girdle muscular dystrophy type 2T; Muscular dystrophy-dystroglycanopathy (congenital with brain and eye anomalies), type A14; Muscular dystrophy-dystroglycanopathy (congenital with impaired intellectual development), type B, 14. Last evaluated: 2022-03-18. Review status: criteria provided, single submitter. Criteria: Invitae Variant Classification Sherloc (09022015). Collection method: clinical testing. Allele origin: germline.
Comment: This sequence change replaces isoleucine, which is neutral and non-polar, with methionine, which is neutral and non-polar, at codon 262 of the GMPPB protein (p.Ile262Met). This variant is not present in population databases (gnomAD no frequency). This variant has not been reported in the literature in individuals affected with GMPPB-related conditions. Advanced modeling of protein sequence and biophysical properties (such as structural, functional, and spatial information, amino acid conservation, physicochemical variation, residue mobility, and thermodynamic stability) performed at Invitae indicates that this missense variant is not expected to disrupt GMPPB protein function. In summary, the available evidence is currently insufficient to determine the role of this variant in disease. Therefore, it has been classified as a Variant of Uncertain Significance.